The following is an entry in ClinVar:

ClinVar aggregate classification (germline): Pathogenic (1 of 4 stars; one submission).

Submission:

Labcorp Genetics (formerly Invitae), Labcorp
Classification: Pathogenic. Last evaluated: 2023-09-03. Review status: criteria provided, single submitter. Criteria: Invitae Variant Classification Sherloc (09022015). Collection method: clinical testing. Allele origin: germline.
Comment: For these reasons, this variant has been classified as Pathogenic. This variant has not been reported in the literature in individuals affected with MID1-related conditions. This variant is not present in population databases (gnomAD no frequency). This sequence change creates a premature translational stop signal (p.Lys261*) in the MID1 gene. It is expected to result in an absent or disrupted protein product. Loss-of-function variants in MID1 are known to be pathogenic (PMID: 15558842, 17221865, 21326312).

Literature cited by the submitters: PubMed 15558842; PubMed 17221865; PubMed 21326312.

NM_000381.4(MID1):c.781A>T (p.Lys261Ter)

Gene: MID1 (midline 1; minus strand). Cytogenetic location: Xp22.2.
Variant type: single nucleotide variant.
Coding change: c.781A>T on transcript NM_000381.4 (MANE Select); coding-DNA position 781, A replaced by T.
Protein change: p.Lys261Ter; replaces lysine 261 with a stop codon.
Molecular consequence: nonsense.
Genome position (GRCh38, 1-based): chrX:10,495,667, T>A on the plus strand (A>T on the coding strand, the complement: MID1 is on the minus strand). VCF-style: chrX-10495667-T-A. GRCh37 (hg19) VCF-style: chrX-10463707-T-A.
Other names: c.781A>T, p.Lys261Ter (NM_001098624.2, NM_001193277.1, NM_001193279.1 and 2 more transcripts); c.934A>T, p.Lys312Ter (NM_001193278.1); c.667A>T, p.Lys223Ter (NM_001193280.1, NM_033289.2); short protein forms K223*, K261*, K312*.
Identifiers: ClinVar variation 2754716 (VCV002754716.3), dbSNP rs2519039652, ClinGen allele CA412047872.